The following is an entry in ClinVar:

NM_001943.5(DSG2):c.1280+287C>A

Gene: DSG2 (desmoglein 2; plus strand). Cytogenetic location: 18q12.1.
Variant type: single nucleotide variant.
Coding change: c.1280+287C>A on transcript NM_001943.5 (MANE Select); 287 bases into the intron after coding-DNA position 1280, C replaced by A.
Molecular consequence: intron variant.
Genome position (GRCh38, 1-based): chr18:31,531,539, C>A. VCF-style: chr18-31531539-C-A. GRCh37 (hg19) VCF-style: chr18-29111502-C-A.
Identifiers: ClinVar variation 671376 (VCV000671376.1), dbSNP rs74699553, ClinGen allele CA14571072.
Genomic context (GRCh38, chr18:31,531,539, plus strand): 5'-TTTACTCACCACTGAAACAGTTCTGGCTAGAGATGGCTAAAAAGCAACAAAGGAAAAGTT[C>A]AGGAAAAAACTTTTAAAAACCTGTCTTATTTCCTAAAAGATTATTATTGGAGGGTGAGAA-3'

ClinVar aggregate classification (germline): Benign (1 of 4 stars; one submission).

Allele frequency attached by ClinVar (database versions not stated): 1000 Genomes Project 30x 0.02155; 1000 Genomes Project 0.02177; TOPMed 0.03263; gnomAD 0.03582 and 0.03651.

Submission:

GeneDx
Classification: Benign. Last evaluated: 2018-06-14. Review status: criteria provided, single submitter. Criteria: GeneDx Variant Classification (06012015). Collection method: clinical testing. Allele origin: germline. Affected: yes.
Comment: This variant is considered likely benign or benign based on one or more of the following criteria: it is a conservative change, it occurs at a poorly conserved position in the protein, it is predicted to be benign by multiple in silico algorithms, and/or has population frequency not consistent with disease.